The following is an entry in ClinVar:

NM_001113378.2(FANCI):c.1939T>A (p.Leu647Ile)

Gene: FANCI (FA complementation group I; plus strand). Cytogenetic location: 15q26.1.
Variant type: single nucleotide variant.
Coding change: c.1939T>A on transcript NM_001113378.2 (MANE Select); coding-DNA position 1939, T replaced by A.
Protein change: p.Leu647Ile; replaces leucine 647 with isoleucine.
Molecular consequence: missense variant.
Genome position (GRCh38, 1-based): chr15:89,291,661, T>A. VCF-style: chr15-89291661-T-A. GRCh37 (hg19) VCF-style: chr15-89834892-T-A.
Other names: c.1660T>A, p.Leu554Ile (NM_001376910.1); c.1939T>A, p.Leu647Ile (NM_001376911.1, NM_018193.3); short protein forms L554I, L647I.
Identifiers: ClinVar variation 2675609 (VCV002675609.3), dbSNP rs150231327, ClinGen allele CA393748723.

ClinVar aggregate classification (germline): Uncertain significance. Review status: criteria provided, multiple submitters, no conflicts (2 of 4 stars). 2 submissions from 2 submitters: Uncertain significance (2). Last evaluated 2024-12-30.

Conditions:
Fanconi anemia complementation group I (FANCI). Also called: FANCI-Related Fanconi Anemia. Identifiers: Orphanet 84, MedGen C1836861, MONDO:0012186, OMIM 609053.

Submissions (2):

Dasa
Classification: Uncertain significance. Last evaluated: 2024-12-30. Review status: criteria provided, single submitter. Criteria: DASA Assertion Criteria. Collection method: clinical testing. Allele origin: germline.
Comment: NM_001113378.2(FANCI):c.1939T>A (p.Leu647Ile) is a missense variant that results in the substitution of leucine with isoleucine. This variant is absent from population databases. Computational prediction algorithms are consistent with a benign effect. The currently available literature and clinical evidence are not sufficient to establish a definitive association between this variant and the reported condition. Therefore, this variant is classified as a variant of uncertain significance.

Baylor Genetics
Classification: Uncertain significance for Fanconi anemia complementation group I. Last evaluated: 2023-08-09. Review status: criteria provided, single submitter. Criteria: ACMG Guidelines, 2015. Collection method: clinical testing. Allele origin: unknown.